The following is an entry in ClinVar:

NM_014270.5(SLC7A9):c.522C>T (p.Ser174=)

Gene: SLC7A9 (solute carrier family 7 member 9; minus strand). Cytogenetic location: 19q13.11.
Variant type: single nucleotide variant.
Coding change: c.522C>T on transcript NM_014270.5 (MANE Select); coding-DNA position 522, C replaced by T.
Protein change: p.Ser174=; no amino-acid change (serine 174 retained).
Molecular consequence: synonymous variant.
Genome position (GRCh38, 1-based): chr19:32,862,543, G>A on the plus strand (C>T on the coding strand, the complement: SLC7A9 is on the minus strand). VCF-style: chr19-32862543-G-A. GRCh37 (hg19) VCF-style: chr19-33353449-G-A.
Other names: p.Ser174=; c.522C>T, p.Ser174= (NM_001126335.2, NM_001243036.2).
Identifiers: ClinVar variation 328758 (VCV000328758.12), dbSNP rs142766345, ClinGen allele CA9358798.
Genomic context (GRCh38, chr19:32,862,543, plus strand): 5'-GCTGATGATGATGATGGCCACGATCACCAGCTTGGCCGCGGTGAAGATGTTCTGGACGTA[G>A]CTTCCCAGCCGCACGCTCAGTGAGTTCACTGTCGAGATGAACACTGGAAGGGTGGGGACA-3'
Protein context (NP_055085.1, residues 164-184): TVNSLSVRLG[Ser174=]YVQNIFTAAK

ClinVar aggregate classification (germline): Conflicting classifications of pathogenicity. Review status: criteria provided, conflicting classifications (1 of 4 stars). 5 submissions from 5 submitters: Uncertain significance (1); Benign (1); Likely benign (3). Last evaluated 2025-10-02.

Conditions:
Cystinuria (CSNU). Also called: CYSTINURIA, TYPE I; CYSTINURIA, TYPE II; CYSTINURIA, TYPE III; Cystinuria, non-type I. Identifiers: Orphanet 214, MedGen C0010691, MONDO:0009067, OMIM 220100, HP:0003131.
SLC7A9-related disorder. Also called: SLC7A9-related condition.

Allele frequency attached by ClinVar (database versions not stated): gnomAD exomes 0.00025 and 0.00068; ExAC 0.00076; 1000 Genomes Project 30x 0.00172; 1000 Genomes Project 0.00200; ESP Exome Variant Server 0.00254; gnomAD 0.00293; TOPMed 0.00316.
gnomAD v4.1: 777 of 1,613,956 alleles (0.048%); highest among the groups gnomAD compares: African/African-American, 0.94%; 1 homozygote.

Submissions (5):

Labcorp Genetics (formerly Invitae), Labcorp
Classification: Benign. Last evaluated: 2025-10-02. Review status: criteria provided, single submitter. Criteria: Invitae Variant Classification Sherloc (09022015). Collection method: clinical testing. Allele origin: germline.

PreventionGenetics, part of Exact Sciences
Classification: Likely benign for SLC7A9-related condition. Last evaluated: 2025-07-22. Review status: criteria provided, single submitter. Criteria: ACMG Guidelines, 2015. Collection method: clinical testing. Allele origin: germline.
Comment: This variant is classified as likely benign based on ACMG/AMP sequence variant interpretation guidelines (Richards et al. 2015 PMID: 25741868, with internal and published modifications).

Blueprint Genetics
Classification: Likely benign. Last evaluated: 2024-11-25. Review status: criteria provided, single submitter. Criteria: ACMG Guidelines, 2015. Collection method: clinical testing. Allele origin: germline.

Mayo Clinic Laboratories, Mayo Clinic
Classification: Likely benign. Last evaluated: 2023-11-15. Review status: criteria provided, single submitter. Criteria: ACMG Guidelines, 2015. Collection method: clinical testing. Allele origin: germline. Observed: 2 variant alleles.
Comment: BP4, BP7

Illumina Laboratory Services, Illumina
Classification: Uncertain significance for Cystinuria. Last evaluated: 2018-01-12. Review status: criteria provided, single submitter. Criteria: ICSL Variant Classification Criteria 13 December 2019. Collection method: clinical testing. Allele origin: germline.